The following is an entry in ClinVar:

NM_000489.6(ATRX):c.6862C>T (p.Arg2288Cys)

Gene: ATRX (ATRX chromatin remodeler; minus strand). Cytogenetic location: Xq21.1.
Variant type: single nucleotide variant.
Coding change: c.6862C>T on transcript NM_000489.6 (MANE Select); coding-DNA position 6862, C replaced by T.
Protein change: p.Arg2288Cys; replaces arginine 2288 with cysteine.
Molecular consequence: missense variant.
Genome position (GRCh38, 1-based): chrX:77,522,376, G>A on the plus strand (C>T on the coding strand, the complement: ATRX is on the minus strand). VCF-style: chrX-77522376-G-A. GRCh37 (hg19) VCF-style: chrX-76777854-G-A.
Other names: c.6748C>T, p.Arg2250Cys (NM_138270.5); short protein forms R2288C, R2250C.
Identifiers: ClinVar variation 2083001 (VCV002083001.2), dbSNP rs782342279, ClinGen allele CA10457449.

ClinVar aggregate classification (germline): Uncertain significance. Review status: criteria provided, multiple submitters, no conflicts (2 of 4 stars). 2 submissions from 2 submitters: Uncertain significance (2). Last evaluated 2022-08-09.

Conditions:
Alpha thalassemia-X-linked intellectual disability syndrome (ATRX). Also called: ALPHA-THALASSEMIA/MENTAL RETARDATION SYNDROME, X-LINKED; ATR, NONDELETION TYPE; ATR-X syndrome; Alpha thalassemia mental retardation syndrome, nondeletion type, X-linked; XLMR hypotonic face syndrome; X-linked alpha-thalassemia-mental retardation syndrome. Identifiers: Orphanet 847, MedGen C1845055, MONDO:0010519, OMIM 301040.
Inborn genetic diseases. Identifiers: MedGen C0950123, MeSH D030342.

Allele frequency attached by ClinVar (database versions not stated): gnomAD exomes below 0.00001; ExAC 0.00001; TOPMed 0.00003.
gnomAD v4.1: 5 of 1,208,073 alleles (0.00041%); highest among the groups gnomAD compares: South Asian, 0.0018%; no homozygotes.

Submissions (2):

Labcorp Genetics (formerly Invitae), Labcorp
Classification: Uncertain significance for Alpha thalassemia-X-linked intellectual disability syndrome. Last evaluated: 2022-08-09. Review status: criteria provided, single submitter. Criteria: Invitae Variant Classification Sherloc (09022015). Collection method: clinical testing. Allele origin: germline.
Comment: This sequence change replaces arginine, which is basic and polar, with cysteine, which is neutral and slightly polar, at codon 2288 of the ATRX protein (p.Arg2288Cys). This variant is not present in population databases (gnomAD no frequency). This variant has not been reported in the literature in individuals affected with ATRX-related conditions. Advanced modeling of protein sequence and biophysical properties (such as structural, functional, and spatial information, amino acid conservation, physicochemical variation, residue mobility, and thermodynamic stability) performed at Invitae indicates that this missense variant is expected to disrupt ATRX protein function. In summary, the available evidence is currently insufficient to determine the role of this variant in disease. Therefore, it has been classified as a Variant of Uncertain Significance.

Ambry Genetics
Classification: Uncertain significance for Inborn genetic diseases. Last evaluated: 2021-08-12. Review status: criteria provided, single submitter. Criteria: Ambry Variant Classification Scheme 2023. Collection method: clinical testing. Allele origin: germline.